The following is an entry in ClinVar:

NM_000096.4(CP):c.1682A>G (p.Lys561Arg)

Gene: CP (ceruloplasmin; minus strand). Cytogenetic location: 3q24.
Variant type: single nucleotide variant.
Coding change: c.1682A>G on transcript NM_000096.4 (MANE Select); coding-DNA position 1682, A replaced by G.
Protein change: p.Lys561Arg; replaces lysine 561 with arginine.
Molecular consequence: missense variant. On other transcripts: non-coding transcript variant (1).
Genome position (GRCh38, 1-based): chr3:149,198,398, T>C on the plus strand (A>G on the coding strand, the complement: CP is on the minus strand). VCF-style: chr3-149198398-T-C. GRCh37 (hg19) VCF-style: chr3-148916185-T-C.
Other names: short protein forms K561R.
Identifiers: ClinVar variation 1501984 (VCV001501984.6), dbSNP rs1428887668, ClinGen allele CA354907060.

ClinVar aggregate classification (germline): Uncertain significance (1 of 4 stars; one submission).

Conditions:
Deficiency of ferroxidase (ACEP). Also called: Ceruloplasmin deficiency; Familial apoceruloplasmin deficiency; Hereditary ceruloplasmin deficiency; NEURODEGENERATION WITH BRAIN IRON ACCUMULATION 10; Deficiency of ceruloplasmin; Aceruloplasminemia. Identifiers: Orphanet 48818, MedGen C0878682, MONDO:0011426, OMIM 604290, HP:0025498.

Allele frequency attached by ClinVar (database versions not stated): gnomAD exomes below 0.00001; gnomAD 0.00001; TOPMed 0.00001.
gnomAD v4.1: 6 of 1,613,894 alleles (0.00037%); highest among the groups gnomAD compares: Non-Finnish European, 0.00051%; no homozygotes.

Submission:

Labcorp Genetics (formerly Invitae), Labcorp
Classification: Uncertain significance for Deficiency of ferroxidase. Last evaluated: 2020-12-08. Review status: criteria provided, single submitter. Criteria: Invitae Variant Classification Sherloc (09022015). Collection method: clinical testing. Allele origin: germline.
Comment: This variant is not present in population databases (ExAC no frequency). This sequence change replaces lysine with arginine at codon 561 of the CP protein (p.Lys561Arg). The lysine residue is weakly conserved and there is a small physicochemical difference between lysine and arginine. This variant has not been reported in the literature in individuals with CP-related conditions. In summary, the available evidence is currently insufficient to determine the role of this variant in disease. Therefore, it has been classified as a Variant of Uncertain Significance. Algorithms developed to predict the effect of missense changes on protein structure and function output the following: SIFT: "Tolerated"; PolyPhen-2: "Benign"; Align-GVGD: "Class C0". The arginine amino acid residue is found in multiple mammalian species, suggesting that this missense change does not adversely affect protein function. These predictions have not been confirmed by published functional studies and their clinical significance is uncertain.